The following is an entry in ClinVar:

NM_181861.2(APAF1):c.527-10C>T

Gene: APAF1 (apoptotic peptidase activating factor 1; plus strand). Cytogenetic location: 12q23.1.
Variant type: single nucleotide variant.
Coding change: c.527-10C>T on transcript NM_181861.2 (MANE Select); 10 bases into the intron before coding-DNA position 527, C replaced by T.
Molecular consequence: intron variant.
Genome position (GRCh38, 1-based): chr12:98,659,150, C>T. VCF-style: chr12-98659150-C-T. GRCh37 (hg19) VCF-style: chr12-99052928-C-T.
Other names: c.527-10C>T (NM_181868.2, NM_181869.2); c.494-10C>T (NM_013229.3, NM_001160.3).
Identifiers: ClinVar variation 3042081 (VCV003042081.2), dbSNP rs766273568, ClinGen allele CA6733743.

ClinVar aggregate classification (germline): Likely benign (0 of 4 stars; one submission).

Conditions:
APAF1-related disorder. Also called: APAF1-related condition.

Allele frequency attached by ClinVar (database versions not stated): ExAC 0.00002; TOPMed 0.00002; gnomAD 0.00003.
gnomAD v4.1: 43 of 1,613,826 alleles (0.0027%); highest among the groups gnomAD compares: Middle Eastern, 0.016%; no homozygotes.

Submission:

PreventionGenetics, part of Exact Sciences
Classification: Likely benign for APAF1-related condition. Last evaluated: 2019-05-08. Review status: no assertion criteria provided. Collection method: clinical testing. Allele origin: germline.
Comment: This variant is classified as likely benign based on ACMG/AMP sequence variant interpretation guidelines (Richards et al. 2015 PMID: 25741868, with internal and published modifications).